The following is an entry in ClinVar:

NM_000393.5(COL5A2):c.4409C>T (p.Ala1470Val)

Gene: COL5A2 (collagen type V alpha 2 chain; minus strand). Cytogenetic location: 2q32.2.
Variant type: single nucleotide variant.
Coding change: c.4409C>T on transcript NM_000393.5 (MANE Select); coding-DNA position 4409, C replaced by T.
Protein change: p.Ala1470Val; replaces alanine 1470 with valine.
Molecular consequence: missense variant.
Genome position (GRCh38, 1-based): chr2:189,034,161, G>A on the plus strand (C>T on the coding strand, the complement: COL5A2 is on the minus strand). VCF-style: chr2-189034161-G-A. GRCh37 (hg19) VCF-style: chr2-189898887-G-A.
Other names: short protein forms A1470V.
Identifiers: ClinVar variation 264358 (VCV000264358.6), dbSNP rs140109751, ClinGen allele CA10587547.

ClinVar aggregate classification (germline): Conflicting classifications of pathogenicity. Review status: criteria provided, conflicting classifications (1 of 4 stars). 2 submissions from 2 submitters: Uncertain significance (1); Likely benign (1). Last evaluated 2016-11-01.

Conditions:
Ehlers-Danlos syndrome, classic type (cEDS). Identifiers: Orphanet 287, MedGen C4225429, MONDO:0007522.
Familial thoracic aortic aneurysm and aortic dissection (TAAD). Also called: Thoracic aortic aneurysms and dissections. Identifiers: Orphanet 91387, MedGen C4707243, MONDO:0019625.

Allele frequency attached by ClinVar (database versions not stated): gnomAD exomes below 0.00001; TOPMed 0.00002; ESP Exome Variant Server 0.00008.
gnomAD v4.1: 1 of 1,613,994 alleles (0.000062%); highest among the groups gnomAD compares: African/African-American, 0.0013%; no homozygotes.

Submissions (2):

Center for Human Genetics, Inc
Classification: Likely benign for Ehlers-Danlos syndrome, classic type, 1. Last evaluated: 2016-11-01. Review status: criteria provided, single submitter. Criteria: ACMG Guidelines, 2015. Collection method: clinical testing. Allele origin: germline. Affected: yes.

Ambry Genetics
Classification: Uncertain significance for Familial thoracic aortic aneurysm and aortic dissection. Last evaluated: 2015-09-30. Review status: criteria provided, single submitter. Criteria: Ambry Variant Classification Scheme 2023. Collection method: clinical testing. Allele origin: germline.
Comment: The p.A1470V variant (also known as c.4409C>T), located in coding exon 54 of the COL5A2 gene, results from a C to T substitution at nucleotide position 4409. The alanine at codon 1470 is replaced by valine, an amino acid with similar properties. This variant was previously reported in the SNPDatabase as rs140109751. Based on data from the NHLBI Exome Sequencing Project (ESP), the T allele has an overall frequency of approximately 0.01% (1/13006) total alleles studied, having been observed in 0.02% (1/4406) African American alleles. This amino acid position is well conserved in available vertebrate species. In addition, the in silico prediction for this alteration is inconclusive. Since supporting evidence is limited at this time, the clinical significance of this variant remains unclear.